The following is an entry in ClinVar:

NM_004104.5(FASN):c.4913C>G (p.Ser1638Cys)

Gene: FASN (fatty acid synthase; minus strand). Cytogenetic location: 17q25.3.
Variant type: single nucleotide variant.
Coding change: c.4913C>G on transcript NM_004104.5 (MANE Select); coding-DNA position 4913, C replaced by G.
Protein change: p.Ser1638Cys; replaces serine 1638 with cysteine.
Molecular consequence: missense variant.
Genome position (GRCh38, 1-based): chr17:82,084,240, G>C on the plus strand (C>G on the coding strand, the complement: FASN is on the minus strand). VCF-style: chr17-82084240-G-C. GRCh37 (hg19) VCF-style: chr17-80042116-G-C.
Other names: short protein forms S1638C.
Identifiers: ClinVar variation 4733623 (VCV004733623.1).

ClinVar aggregate classification (germline): Uncertain significance (1 of 4 stars; one submission).

Conditions:
Epileptic encephalopathy. Identifiers: MedGen C0543888, HP:0200134.

Submission:

Labcorp Genetics (formerly Invitae), Labcorp
Classification: Uncertain significance for Epileptic encephalopathy. Last evaluated: 2025-12-19. Review status: criteria provided, single submitter. Criteria: Invitae Variant Classification Sherloc (09022015). Collection method: clinical testing. Allele origin: germline.
Comment: This sequence change replaces serine, which is neutral and polar, with cysteine, which is neutral and slightly polar, at codon 1638 of the FASN protein (p.Ser1638Cys). This variant is not present in population databases (gnomAD no frequency). This variant has not been reported in the literature in individuals affected with FASN-related conditions. An algorithm developed to predict the effect of missense changes on protein structure and function (PolyPhen-2) suggests that this variant is likely to be disruptive. In summary, the available evidence is currently insufficient to determine the role of this variant in disease. Therefore, it has been classified as a Variant of Uncertain Significance.